The following is an entry in ClinVar:

NM_001184.4(ATR):c.308T>C (p.Ile103Thr)

Gene: ATR (ATR serine/threonine kinase; minus strand). Cytogenetic location: 3q23.
Variant type: single nucleotide variant.
Coding change: c.308T>C on transcript NM_001184.4 (MANE Select); coding-DNA position 308, T replaced by C.
Protein change: p.Ile103Thr; replaces isoleucine 103 with threonine.
Molecular consequence: missense variant.
Genome position (GRCh38, 1-based): chr3:142,563,094, A>G on the plus strand (T>C on the coding strand, the complement: ATR is on the minus strand). VCF-style: chr3-142563094-A-G. GRCh37 (hg19) VCF-style: chr3-142281936-A-G.
Other names: c.308T>C, p.Ile103Thr (NM_001354579.2); short protein forms I103T.
Identifiers: ClinVar variation 3462523 (VCV003462523.1).

ClinVar aggregate classification (germline): Uncertain significance (1 of 4 stars; one submission).

Conditions:
Inborn genetic diseases. Identifiers: MedGen C0950123, MeSH D030342.

Submission:

Ambry Genetics
Classification: Uncertain significance for Inborn genetic diseases. Last evaluated: 2024-08-10. Review status: criteria provided, single submitter. Criteria: Ambry Variant Classification Scheme 2023. Collection method: clinical testing. Allele origin: germline.
Comment: The p.I103T variant (also known as c.308T>C), located in coding exon 4 of the ATR gene, results from a T to C substitution at nucleotide position 308. The isoleucine at codon 103 is replaced by threonine, an amino acid with similar properties. This amino acid position is conserved. In addition, this alteration is predicted to be deleterious by in silico analysis. Based on the available evidence, the clinical significance of this variant remains unclear.